The following is an entry in ClinVar:

ClinVar aggregate classification (germline): Likely pathogenic (1 of 4 stars; one submission).

Conditions:
TERT-related disorder. Also called: TERT-related condition; TERT-related disorders.

Submission:

PreventionGenetics, part of Exact Sciences
Classification: Likely pathogenic for TERT-related condition. Last evaluated: 2026-05-23. Review status: criteria provided, single submitter. Criteria: ACMG Guidelines, 2015. Collection method: clinical testing. Allele origin: germline.
Comment: The TERT c.3033-2A>T variant is predicted to disrupt the AG splice acceptor site and interfere with normal splicing. To our knowledge, this variant has not been reported in the literature or in a large population database (gnomAD), indicating this variant is rare. Variants that disrupt the consensus splice acceptor site in TERT are expected to be pathogenic. This variant is interpreted as likely pathogenic.

NM_198253.3(TERT):c.3033-2A>T

Gene: TERT (telomerase reverse transcriptase; minus strand). Cytogenetic location: 5p15.33.
Variant type: single nucleotide variant.
Coding change: c.3033-2A>T on transcript NM_198253.3 (MANE Select); the canonical splice acceptor site of the intron before coding-DNA position 3033, A replaced by T.
Molecular consequence: splice acceptor variant.
Genome position (GRCh38, 1-based): chr5:1,255,413, T>A on the plus strand (A>T on the coding strand, the complement: TERT is on the minus strand). VCF-style: chr5-1255413-T-A. GRCh37 (hg19) VCF-style: chr5-1255528-T-A.
Other names: c.2844-2A>T (NM_001193376.3).
Identifiers: ClinVar variation 4993319 (VCV004993319.1).